The following is an entry in ClinVar:

NM_024757.5(EHMT1):c.859C>T (p.Arg287Trp)

Gene: EHMT1 (euchromatic histone lysine methyltransferase 1; plus strand). Cytogenetic location: 9q34.3.
Variant type: single nucleotide variant.
Coding change: c.859C>T on transcript NM_024757.5 (MANE Select); coding-DNA position 859, C replaced by T.
Protein change: p.Arg287Trp; replaces arginine 287 with tryptophan.
Molecular consequence: missense variant.
Genome position (GRCh38, 1-based): chr9:137,743,406, C>T. VCF-style: chr9-137743406-C-T. GRCh37 (hg19) VCF-style: chr9-140637858-C-T.
Other names: c.859C>T, p.Arg287Trp (NM_001145527.2, NM_001354611.2); c.766C>T, p.Arg256Trp (NM_001354259.2, NM_001354612.2); c.838C>T, p.Arg280Trp (NM_001354263.2); c.859C>T (NM_024757.4); short protein forms R287W, R256W, R280W.
Identifiers: ClinVar variation 1962327 (VCV001962327.6), dbSNP rs2541599947, ClinGen allele CA375777645.
Genomic context (GRCh38, chr9:137,743,406, plus strand): 5'-TTTTGACTTTTTTTTTTTTTTTTAGCTTGCTTGCCTTTTGTTTTAGCAGCTGCAGTATCT[C>T]GGAAGAAAAAACGAAGAATGGGAACCTATAGCCTGGTTCCTAAGAAAAAGACCAAAGTAT-3'
Protein context (NP_079033.4, residues 277-297): LPFVLAAAVS[Arg287Trp]KKKRRMGTYS

ClinVar aggregate classification (germline): Uncertain significance. Review status: criteria provided, multiple submitters, no conflicts (2 of 4 stars). 2 submissions from 2 submitters: Uncertain significance (2). Last evaluated 2025-06-05.

Conditions:
Kleefstra syndrome 1 (KLEFS1). Identifiers: Orphanet 261494, MedGen C0795833, MONDO:0027407, OMIM 610253.

Submissions (2):

GeneDx
Classification: Uncertain significance. Last evaluated: 2025-06-05. Review status: criteria provided, single submitter. Criteria: GeneDx Variant Classification Process June 2021. Collection method: clinical testing. Allele origin: germline. Affected: yes.
Comment: Not observed at significant frequency in large population cohorts (gnomAD); In silico analysis supports that this missense variant has a deleterious effect on protein structure/function; Has not been previously published as pathogenic or benign to our knowledge

Labcorp Genetics (formerly Invitae), Labcorp
Classification: Uncertain significance for Kleefstra syndrome 1. Last evaluated: 2022-02-11. Review status: criteria provided, single submitter. Criteria: Invitae Variant Classification Sherloc (09022015). Collection method: clinical testing. Allele origin: germline.
Comment: In summary, the available evidence is currently insufficient to determine the role of this variant in disease. Therefore, it has been classified as a Variant of Uncertain Significance. Algorithms developed to predict the effect of missense changes on protein structure and function are either unavailable or do not agree on the potential impact of this missense change (SIFT: "Deleterious"; PolyPhen-2: "Probably Damaging"; Align-GVGD: "Class C0"). This variant has not been reported in the literature in individuals affected with EHMT1-related conditions. This variant is not present in population databases (gnomAD no frequency). This sequence change replaces arginine, which is basic and polar, with tryptophan, which is neutral and slightly polar, at codon 287 of the EHMT1 protein (p.Arg287Trp).